The following is an entry in ClinVar:

ClinVar aggregate classification (germline): Uncertain significance (1 of 4 stars; one submission).

Submission:

Labcorp Genetics (formerly Invitae), Labcorp
Classification: Uncertain significance. Last evaluated: 2023-04-06. Review status: criteria provided, single submitter. Criteria: Invitae Variant Classification Sherloc (09022015). Collection method: clinical testing. Allele origin: germline.
Comment: Algorithms developed to predict the effect of missense changes on protein structure and function output the following: SIFT: "Not Available"; PolyPhen-2: "Benign"; Align-GVGD: "Not Available". The alanine amino acid residue is found in multiple mammalian species, which suggests that this missense change does not adversely affect protein function. This sequence change replaces valine, which is neutral and non-polar, with alanine, which is neutral and non-polar, at codon 4138 of the HMCN1 protein (p.Val4138Ala). This variant is not present in population databases (gnomAD no frequency). This variant has not been reported in the literature in individuals affected with HMCN1-related conditions. ClinVar contains an entry for this variant (Variation ID: 1349141). In summary, the available evidence is currently insufficient to determine the role of this variant in disease. Therefore, it has been classified as a Variant of Uncertain Significance.

NM_031935.3(HMCN1):c.12413T>C (p.Val4138Ala)

Gene: HMCN1 (hemicentin 1; plus strand). Cytogenetic location: 1q31.1.
Variant type: single nucleotide variant.
Coding change: c.12413T>C on transcript NM_031935.3 (MANE Select); coding-DNA position 12413, T replaced by C.
Protein change: p.Val4138Ala; replaces valine 4138 with alanine.
Molecular consequence: missense variant.
Genome position (GRCh38, 1-based): chr1:186,123,134, T>C. VCF-style: chr1-186123134-T-C. GRCh37 (hg19) VCF-style: chr1-186092266-T-C.
Other names: short protein forms V4138A.
Identifiers: ClinVar variation 1349141 (VCV001349141.6), dbSNP rs1430000255, ClinGen allele CA343903213.